The following is an entry in ClinVar:

ClinVar aggregate classification (germline): Pathogenic (1 of 4 stars; one submission).

Conditions:
Bardet-Biedl syndrome (BBS). Identifiers: Orphanet 110, MedGen C0752166, MONDO:0015229.

Allele frequency attached by ClinVar (database versions not stated): gnomAD exomes 0.00001.
gnomAD v4.1: 12 of 1,613,828 alleles (0.00074%); highest among the groups gnomAD compares: Non-Finnish European, 0.001%; no homozygotes.

Submission:

Labcorp Genetics (formerly Invitae), Labcorp
Classification: Pathogenic for Bardet-Biedl syndrome. Last evaluated: 2025-12-14. Review status: criteria provided, single submitter. Criteria: Invitae Variant Classification Sherloc (09022015). Collection method: clinical testing. Allele origin: germline.
Comment: This sequence change creates a premature translational stop signal (p.Ser231*) in the BBS10 gene. While this is not anticipated to result in nonsense mediated decay, it is expected to disrupt the last 493 amino acid(s) of the BBS10 protein. This variant is not present in population databases (gnomAD no frequency). This variant has not been reported in the literature in individuals affected with BBS10-related conditions. ClinVar contains an entry for this variant (Variation ID: 2864389). This variant disrupts a region of the BBS10 protein in which other variant(s) (p.Val707*) have been determined to be pathogenic (PMID: 20472660, 22773737, 25982971, 27486776). This suggests that this is a clinically significant region of the protein, and that variants that disrupt it are likely to be disease-causing. For these reasons, this variant has been classified as Pathogenic.

Literature cited by the submitters: PubMed 20472660; PubMed 22773737; PubMed 25982971; PubMed 27486776.

NM_024685.4(BBS10):c.692C>G (p.Ser231Ter)

Gene: BBS10 (Bardet-Biedl syndrome 10; minus strand). Cytogenetic location: 12q21.2.
Variant type: single nucleotide variant.
Coding change: c.692C>G on transcript NM_024685.4 (MANE Select); coding-DNA position 692, C replaced by G.
Protein change: p.Ser231Ter; replaces serine 231 with a stop codon.
Molecular consequence: nonsense.
Genome position (GRCh38, 1-based): chr12:76,347,293, G>C on the plus strand (C>G on the coding strand, the complement: BBS10 is on the minus strand). VCF-style: chr12-76347293-G-C. GRCh37 (hg19) VCF-style: chr12-76741073-G-C.
Other names: short protein forms S231*.
Identifiers: ClinVar variation 2864389 (VCV002864389.4), dbSNP rs2540956551, ClinGen allele CA385814621.